The following is an entry in ClinVar:

ClinVar aggregate classification (germline): Conflicting classifications of pathogenicity. Review status: criteria provided, conflicting classifications (1 of 4 stars). 3 submissions from 3 submitters: Uncertain significance (1); Benign (1); Likely benign (1). Last evaluated 2025-11-05.

Conditions:
Hereditary hyperekplexia. Identifiers: Orphanet 3197, MedGen C4084968, MONDO:0021022.
Hyperekplexia 1 (STHE). Also called: HYPEREKPLEXIA 1, AUTOSOMAL DOMINANT; HYPEREKPLEXIA 1, AUTOSOMAL RECESSIVE; EXAGGERATED STARTLE REACTION; KOK DISEASE; STARTLE DISEASE, FAMILIAL; STIFF-BABY SYNDROME. Identifiers: Orphanet 3197, MedGen C4551954, MONDO:0007868, OMIM 149400.
Inborn genetic diseases. Identifiers: MedGen C0950123, MeSH D030342.

Allele frequency attached by ClinVar (database versions not stated): TOPMed 0.00002; gnomAD 0.00004; gnomAD exomes 0.00004 and 0.00008; ExAC 0.00007; 1000 Genomes Project 30x 0.00016; 1000 Genomes Project 0.00020.
gnomAD v4.1: 65 of 1,613,678 alleles (0.004%); highest among the groups gnomAD compares: East Asian, 0.049%; no homozygotes.

Submissions (3):

Labcorp Genetics (formerly Invitae), Labcorp
Classification: Likely benign for Hereditary hyperekplexia. Last evaluated: 2025-11-05. Review status: criteria provided, single submitter. Criteria: Invitae Variant Classification Sherloc (09022015). Collection method: clinical testing. Allele origin: germline.

Ambry Genetics
Classification: Uncertain significance for Inborn genetic diseases. Last evaluated: 2024-03-12. Review status: criteria provided, single submitter. Criteria: Ambry Variant Classification Scheme 2023. Collection method: clinical testing. Allele origin: germline.

Illumina Laboratory Services, Illumina
Classification: Benign for Hyperekplexia 1. Last evaluated: 2018-01-13. Review status: criteria provided, single submitter. Criteria: ICSL Variant Classification Criteria 13 December 2019. Collection method: clinical testing. Allele origin: germline.
Comment: This variant was observed in the ICSL laboratory as part of a predisposition screen in an ostensibly healthy population. It had not been previously curated by ICSL or reported in the Human Gene Mutation Database (HGMD: prior to June 1st, 2018), and was therefore a candidate for classification through an automated scoring system. Utilizing variant allele frequency, disease prevalence and penetrance estimates, and inheritance mode, an automated score was calculated to assess if this variant is too frequent to cause the disease. Based on the score and internal cut-off values, a variant classified as benign is not then subjected to further curation. The score for this variant resulted in a classification of benign for this disease.

NM_000171.4(GLRA1):c.449G>A (p.Arg150Gln)

Gene: GLRA1 (glycine receptor alpha 1; minus strand). Cytogenetic location: 5q33.1.
Variant type: single nucleotide variant.
Coding change: c.449G>A on transcript NM_000171.4 (MANE Select); coding-DNA position 449, G replaced by A.
Protein change: p.Arg150Gln; replaces arginine 150 with glutamine.
Molecular consequence: missense variant.
Genome position (GRCh38, 1-based): chr5:151,859,812, C>T on the plus strand (G>A on the coding strand, the complement: GLRA1 is on the minus strand). VCF-style: chr5-151859812-C-T. GRCh37 (hg19) VCF-style: chr5-151239373-C-T.
Other names: c.449G>A, p.Arg150Gln (NM_001146040.2); c.200G>A, p.Arg67Gln (NM_001292000.2); short protein forms R150Q, R67Q.
Identifiers: ClinVar variation 352317 (VCV000352317.15), dbSNP rs561848502, ClinGen allele CA3523702.